The following is an entry in ClinVar:

NM_001355436.2(SPTB):c.4411A>T (p.Lys1471Ter)

Gene: SPTB (spectrin beta, erythrocytic; minus strand). Cytogenetic location: 14q23.3.
Variant type: single nucleotide variant.
Coding change: c.4411A>T on transcript NM_001355436.2 (MANE Select); coding-DNA position 4411, A replaced by T.
Protein change: p.Lys1471Ter; replaces lysine 1471 with a stop codon.
Molecular consequence: nonsense.
Genome position (GRCh38, 1-based): chr14:64,779,787, T>A on the plus strand (A>T on the coding strand, the complement: SPTB is on the minus strand). VCF-style: chr14-64779787-T-A. GRCh37 (hg19) VCF-style: chr14-65246505-T-A.
Other names: c.4411A>T, p.Lys1471Ter (NM_001024858.4, NM_001355437.2); short protein forms K1471*.
Identifiers: ClinVar variation 3661108 (VCV003661108.2).

ClinVar aggregate classification (germline): Pathogenic (1 of 4 stars; one submission).

Submission:

Labcorp Genetics (formerly Invitae), Labcorp
Classification: Pathogenic. Last evaluated: 2024-07-31. Review status: criteria provided, single submitter. Criteria: Invitae Variant Classification Sherloc (09022015). Collection method: clinical testing. Allele origin: germline.
Comment: This sequence change creates a premature translational stop signal (p.Lys1471*) in the SPTB gene. It is expected to result in an absent or disrupted protein product. Loss-of-function variants in SPTB are known to be pathogenic (PMID: 1391962, 1498324, 8844207, 26830532, 27292444). This variant is not present in population databases (gnomAD no frequency). This variant has not been reported in the literature in individuals affected with SPTB-related conditions. For these reasons, this variant has been classified as Pathogenic.

Literature cited by the submitters: PubMed 1391962; PubMed 1498324; PubMed 8844207; PubMed 26830532; PubMed 27292444.